The following continues an entry in ClinVar:

NM_019109.5(ALG1):c.773C>T (p.Ser258Leu)

Gene: ALG1. ClinVar aggregate classification (germline): Pathogenic/Likely pathogenic. Pathogenic (16); Likely pathogenic (3).

Submissions 8 to 22 of 22:

Women's Health and Genetics/Laboratory Corporation of America, LabCorp
Classification: Pathogenic for ALG1-congenital disorder of glycosylation. Last evaluated: 2022-05-03. Review status: criteria provided, single submitter. Criteria: LabCorp Variant Classification Summary - May 2015. Collection method: clinical testing. Allele origin: germline.
Comment: Variant summary: ALG1 c.773C>T (p.Ser258Leu) results in a non-conservative amino acid change in the encoded protein sequence. Four of five in-silico tools predict a damaging effect of the variant on protein function. The variant allele was found at a frequency of 0.0003 in 250018 control chromosomes. This frequency is not significantly higher than expected for a pathogenic variant in ALG1 causing Congenital Disorder Of Glycosylation Type 1K (0.0003 vs 0.0011), allowing no conclusion about variant significance. c.773C>T has been reported in the literature in multiple individuals affected with Congenital Disorder Of Glycosylation Type 1K both in the homozygous and compound heterozygous state (Han_2020, Kranz_2004, Ng_2016). Functional studies have shown the variant to disrupt normal ALG1 enzymatic function (eg. Kranz_2004). 12 clinical diagnostic laboratories have submitted clinical-significance assessments for this variant to ClinVar after 2014 without evidence for independent evaluation. All laboratories classified the variant as pathogenic/likely pathogenic. Based on the evidence outlined above, the variant was classified as pathogenic.

GeneDx
Classification: Pathogenic. Last evaluated: 2021-10-28. Review status: criteria provided, single submitter. Criteria: GeneDx Variant Classification Process June 2021. Collection method: clinical testing. Allele origin: germline. Affected: yes.
Comment: Published functional studies demonstrate a damaging effect (Grubenmann et al., 2004); In silico analysis supports that this missense variant has a deleterious effect on protein structure/function; This variant is associated with the following publications: (PMID: 21228398, 14709599, 26931382, 14973782, 27325525, 28554332, 30609409, 31618474, 31994750, 32573669)

Revvity Omics, Revvity
Classification: Pathogenic for ALG1-congenital disorder of glycosylation. Last evaluated: 2019-05-23. Review status: criteria provided, single submitter. Criteria: ACMG Guidelines, 2015. Collection method: clinical testing. Allele origin: germline.

Fulgent Genetics
Classification: Pathogenic for ALG1-congenital disorder of glycosylation. Last evaluated: 2018-10-31. Review status: criteria provided, single submitter. Criteria: ACMG Guidelines, 2015. Collection method: clinical testing. Allele origin: unknown.

Laboratory for Molecular Medicine, Mass General Brigham Personalized Medicine
Classification: Pathogenic for Congenital disorder of glycosylation. Last evaluated: 2017-09-26. Review status: criteria provided, single submitter. Criteria: LMM Criteria. Collection method: clinical testing. Allele origin: germline. Inheritance: Autosomal recessive inheritance. Observed: 1 variant allele.
Comment: The p.Ser258Leu variant in ALG1 has been reported in at least 10 homozygous and 14 compound heterozygous individuals with a congenital disorder of glycosylation (Grubenmann 2004, Schwarz 2004, Kranz 2004, Harshman 2016, Ng 2016, Park 2016, Barba 2016, and Bowling 2017), and has also been reported in ClinVar (Variation ID#4724). In vitro functional studies provide evidence that the p.Ser258ZLeu var iant impacts the protein (Grubenmann 2004, Schwarz 2004, Kranz 2004, and Ng 2016 ). This variant has been identified in 0.05% (67/126078) of European chromosomes by the Genome Aggregation Database (gnomAD; d bSNP rs28939378). Although this variant has been seen in the general population, its frequency is low enough to be consistent with a recessive carrier frequency . In summary, although additional studies are required to fully establish its c linical significance, the p.Ser258Leu variant is pathogenic for congenital disor ders of glycosylation in an autosomal recessive manner based on functional studi es and its occurrence in individuals with this disease.

Genome Diagnostics Laboratory, University Medical Center Utrecht
Classification: Likely pathogenic for ALG1-congenital disorder of glycosylation. Last evaluated: 2017-07-28. Review status: criteria provided, single submitter. Criteria: ACGS Guidelines, 2013. Collection method: clinical testing. Allele origin: germline. Affected: yes. Study: VKGL Data-share Consensus.

Clinical Genetics DNA and cytogenetics Diagnostics Lab, Erasmus MC, Erasmus Medical Center
Classification: Pathogenic for ALG1-congenital disorder of glycosylation. Last evaluated: 2017-05-31. Review status: criteria provided, single submitter. Criteria: ACGS Guidelines, 2013. Collection method: clinical testing. Allele origin: germline. Affected: yes. Study: VKGL Data-share Consensus.

HudsonAlpha Institute for Biotechnology
Classification: Likely pathogenic for ALG1-congenital disorder of glycosylation. Last evaluated: 2017-02-09. Review status: criteria provided, single submitter. Criteria: HA_assertions_20161101. Collection method: research. Allele origin: paternal. Affected: yes. Observed: 1 variant allele. Study: CSER-HudsonAlpha.

Center for Pediatric Genomic Medicine, Children's Mercy Hospital and Clinics
Classification: Pathogenic. Last evaluated: 2016-11-07. Review status: criteria provided, single submitter. Criteria: ACMG Guidelines, 2015. Collection method: clinical testing. Allele origin: germline.

Eurofins Ntd Llc (ga)
Classification: Pathogenic. Last evaluated: 2014-10-28. Review status: criteria provided, single submitter. Criteria: EGL Classification Definitions. Collection method: clinical testing. Allele origin: germline. Observed: 11 variant alleles, 11 heterozygotes.

Equipe Genetique des Anomalies du Developpement, Université de Bourgogne
Classification: Pathogenic for Encephalopathy. Review status: criteria provided, single submitter. Criteria: ACMG Guidelines, 2015. Collection method: research. Allele origin: maternal. Affected: yes.

Rady Children's Institute for Genomic Medicine, Rady Children's Hospital San Diego
Classification: Pathogenic for CONGENITAL DISORDER OF GLYCOSYLATION, TYPE Ik. Review status: criteria provided, single submitter. Criteria: ACMG Guidelines, 2015. Collection method: clinical testing. Allele origin: germline. Affected: yes.
Comment: This variant has been previously reported as a compound heterozygous and homozygous change in patients with Congenital disorder of glycosylation, type Ik (PMID: 14709599, 27325525, 26931382), and as a compound heterozygous change in patients with seizure disorders (PMID: 28554332, 31618474). This variant could not rescue growth in an alg-1 deficient yeast strain, suggesting that the variant affects protein function (PMID: 14709599, 26931382). It is present in the heterozygous state in the gnomAD population database at a frequency of .03% (87/281390) and thus is presumed to be rare. The c.773C>T (p.Ser258Leu) variant is predicted by multiple in silico tools to have a deleterious effect on protein function. Based on the available evidence, the c.773C>T (p.Ser258Leu) variant is classified as Pathogenic.

University of Washington Center for Mendelian Genomics, University of Washington
Classification: Likely pathogenic for Congenital disorder of glycosylation. Last evaluated: 2017-05-25. Review status: no assertion criteria provided. Collection method: research. Allele origin: unknown. Affected: yes. Not counted in ClinVar's aggregate classification.

University of Washington Center for Mendelian Genomics, University of Washington
Classification: Likely pathogenic for Congenital nephrotic syndrome. Last evaluated: 2016-06-21. Review status: no assertion criteria provided. Collection method: research. Allele origin: unknown. Affected: yes. Not counted in ClinVar's aggregate classification.

OMIM
Classification: Pathogenic for CONGENITAL DISORDER OF GLYCOSYLATION, TYPE Ik. Last evaluated: 2004-03-01. Review status: no assertion criteria provided. Collection method: literature only. Allele origin: germline. Not counted in ClinVar's aggregate classification.

Literature cited by the submitters: PubMed 26931382 (cited by 6 submitters); PubMed 14709599 (cited by 3 submitters); PubMed 14973778 (cited by 4 submitters); PubMed 14973782 (cited by 5 submitters); PubMed 20679665 (cited by Labcorp Genetics (formerly Invitae), Labcorp and Ambry Genetics); PubMed 22966035 (cited by Labcorp Genetics (formerly Invitae), Labcorp and Ambry Genetics); PubMed 27172925 (cited by 3 submitters); PubMed 27325525 (cited by 4 submitters); PubMed 28554332 (cited by Labcorp Genetics (formerly Invitae), Labcorp and Laboratory for Molecular Medicine, Mass General Brigham Personalized Medicine); PubMed 2296603 (cited by Ambry Genetics); PubMed 31994750 (cited by Ambry Genetics and Women's Health and Genetics/Laboratory Corporation of America, LabCorp); PubMed 32573669 (cited by Ambry Genetics); PubMed 25956699 (cited by Laboratory for Molecular Medicine, Mass General Brigham Personalized Medicine).